The following is an entry in ClinVar:

ClinVar aggregate classification (germline): Uncertain significance (1 of 4 stars; one submission).

Allele frequency attached by ClinVar (database versions not stated): gnomAD exomes 0.00002; ExAC 0.00005; TOPMed 0.00011; gnomAD 0.00014; 1000 Genomes Project 30x 0.00031; 1000 Genomes Project 0.00040.
gnomAD v4.1: 50 of 1,588,918 alleles (0.0031%); highest among the groups gnomAD compares: African/African-American, 0.032%; no homozygotes.

Submission:

Labcorp Genetics (formerly Invitae), Labcorp
Classification: Uncertain significance. Last evaluated: 2024-12-02. Review status: criteria provided, single submitter. Criteria: Invitae Variant Classification Sherloc (09022015). Collection method: clinical testing. Allele origin: germline.
Comment: This sequence change replaces tyrosine, which is neutral and polar, with cysteine, which is neutral and slightly polar, at codon 1335 of the PLEKHG2 protein (p.Tyr1335Cys). This variant is present in population databases (rs574448593, gnomAD 0.08%). This variant has not been reported in the literature in individuals affected with PLEKHG2-related conditions. ClinVar contains an entry for this variant (Variation ID: 2183310). An algorithm developed to predict the effect of missense changes on protein structure and function (PolyPhen-2) suggests that this variant is likely to be disruptive. In summary, the available evidence is currently insufficient to determine the role of this variant in disease. Therefore, it has been classified as a Variant of Uncertain Significance.

NM_022835.3(PLEKHG2):c.4004A>G (p.Tyr1335Cys)

Gene: PLEKHG2 (pleckstrin homology and RhoGEF domain containing G2; plus strand). Cytogenetic location: 19q13.2.
Variant type: single nucleotide variant.
Coding change: c.4004A>G on transcript NM_022835.3 (MANE Select); coding-DNA position 4004, A replaced by G.
Protein change: p.Tyr1335Cys; replaces tyrosine 1335 with cysteine.
Molecular consequence: missense variant. On other transcripts: intron variant (2).
Genome position (GRCh38, 1-based): chr19:39,425,137, A>G. VCF-style: chr19-39425137-A-G. GRCh37 (hg19) VCF-style: chr19-39915777-A-G.
Other names: c.3573-101A>G (NM_001351693.2); c.1678-101A>G (NM_001351694.2); short protein forms Y1335C.
Identifiers: ClinVar variation 2183310 (VCV002183310.4), dbSNP rs574448593, ClinGen allele CA9430114.